The following is an entry in ClinVar:

NM_144701.3(IL23R):c.1420G>A (p.Val474Ile)

Gene: IL23R (interleukin 23 receptor; plus strand). Cytogenetic location: 1p31.3.
Variant type: single nucleotide variant.
Coding change: c.1420G>A on transcript NM_144701.3 (MANE Select); coding-DNA position 1420, G replaced by A.
Protein change: p.Val474Ile; replaces valine 474 with isoleucine.
Molecular consequence: missense variant.
Genome position (GRCh38, 1-based): chr1:67,258,658, G>A. VCF-style: chr1-67258658-G-A. GRCh37 (hg19) VCF-style: chr1-67724341-G-A.
Other names: short protein forms V474I.
Identifiers: ClinVar variation 2100491 (VCV002100491.4), dbSNP rs2525561867, ClinGen allele CA340728140.
Genomic context (GRCh38, chr1:67,258,658, plus strand): 5'-AATACAGGACCCCTGGAGACAAGAGACTACCCGCAAAACTCGCTATTCGACAATACTACA[G>A]TTGTATATATTCCTGATCTCAACACTGGATATAAACCCCAAATTTCAAATTTTCTGCCTG-3'
Protein context (NP_653302.2, residues 464-484): PQNSLFDNTT[Val474Ile]VYIPDLNTGY

ClinVar aggregate classification (germline): Uncertain significance (1 of 4 stars; one submission).

Allele frequency attached by ClinVar (database versions not stated): gnomAD exomes 0.00001.
gnomAD v4.1: 9 of 1,613,918 alleles (0.00056%); highest among the groups gnomAD compares: Non-Finnish European, 0.00076%; no homozygotes.

Submission:

Labcorp Genetics (formerly Invitae), Labcorp
Classification: Uncertain significance. Last evaluated: 2025-02-20. Review status: criteria provided, single submitter. Criteria: Invitae Variant Classification Sherloc (09022015). Collection method: clinical testing. Allele origin: germline.
Comment: This sequence change replaces valine, which is neutral and non-polar, with isoleucine, which is neutral and non-polar, at codon 474 of the IL23R protein (p.Val474Ile). This variant is not present in population databases (gnomAD no frequency). This variant has not been reported in the literature in individuals affected with IL23R-related conditions. ClinVar contains an entry for this variant (Variation ID: 2100491). An algorithm developed to predict the effect of missense changes on protein structure and function outputs the following: PolyPhen-2: "Possibly Damaging". The isoleucine amino acid residue is found in multiple mammalian species, which suggests that this missense change does not adversely affect protein function. In summary, the available evidence is currently insufficient to determine the role of this variant in disease. Therefore, it has been classified as a Variant of Uncertain Significance.